The following is an entry in ClinVar:

NM_001287491.2(TET3):c.4580G>A (p.Gly1527Glu)

Gene: TET3 (tet methylcytosine dioxygenase 3; plus strand). Cytogenetic location: 2p13.1.
Variant type: single nucleotide variant.
Coding change: c.4580G>A on transcript NM_001287491.2 (MANE Select); coding-DNA position 4580, G replaced by A.
Protein change: p.Gly1527Glu; replaces glycine 1527 with glutamic acid.
Molecular consequence: missense variant.
Genome position (GRCh38, 1-based): chr2:74,101,368, G>A. VCF-style: chr2-74101368-G-A. GRCh37 (hg19) VCF-style: chr2-74328495-G-A.
Other names: c.4301G>A, p.Gly1434Glu (NM_001366022.1); short protein forms G1434E, G1527E.
Identifiers: ClinVar variation 3364440 (VCV003364440.1).

ClinVar aggregate classification (germline): Uncertain significance (1 of 4 stars; one submission).

gnomAD v4.1: 1 of 1,613,896 alleles (0.000062%); highest among the groups gnomAD compares: South Asian, 0.0011%; no homozygotes.

Submission:

GeneDx
Classification: Uncertain significance. Last evaluated: 2023-11-15. Review status: criteria provided, single submitter. Criteria: GeneDx Variant Classification Process June 2021. Collection method: clinical testing. Allele origin: germline. Affected: yes.
Comment: Not observed at significant frequency in large population cohorts (gnomAD); In silico analysis supports that this missense variant has a deleterious effect on protein structure/function; Has not been previously published as pathogenic or benign to our knowledge